The following is an entry in ClinVar:

ClinVar aggregate classification (germline): Benign. Review status: criteria provided, multiple submitters, no conflicts (2 of 4 stars). 3 submissions from 3 submitters: Benign (2). 1 of the submissions does not count toward it. Last evaluated 2026-01-28.

Conditions:
TAOK2-related disorder. Also called: TAOK2-related condition.

Allele frequency attached by ClinVar (database versions not stated): gnomAD exomes 0.00067 and 0.00179; ExAC 0.00203; 1000 Genomes Project 30x 0.00562; 1000 Genomes Project 0.00579; gnomAD 0.00656 and 0.00701; ESP Exome Variant Server 0.00747; TOPMed 0.00753.
gnomAD v4.1: 1,983 of 1,570,994 alleles (0.13%); highest among the groups gnomAD compares: African/African-American, 2.4%; 21 homozygotes.

Submissions (3):

Labcorp Genetics (formerly Invitae), Labcorp
Classification: Benign. Last evaluated: 2026-01-28. Review status: criteria provided, single submitter. Criteria: Invitae Variant Classification Sherloc (09022015). Collection method: clinical testing. Allele origin: germline.

Breakthrough Genomics
Classification: Benign. Review status: criteria provided, single submitter. Criteria: ACMG Guidelines, 2015. Collection method: not provided. Allele origin: germline. Inheritance: Unknown mechanism. Affected: yes.

PreventionGenetics, part of Exact Sciences
Classification: Benign for TAOK2-related condition. Last evaluated: 2019-05-31. Review status: no assertion criteria provided. Collection method: clinical testing. Allele origin: germline. Not counted in ClinVar's aggregate classification.
Comment: This variant is classified as benign based on ACMG/AMP sequence variant interpretation guidelines (Richards et al. 2015 PMID: 25741868, with internal and published modifications).

NM_016151.4(TAOK2):c.1479C>T (p.Ser493=)

Gene: TAOK2 (TAO kinase 2; plus strand). Cytogenetic location: 16p11.2.
Variant type: single nucleotide variant.
Coding change: c.1479C>T on transcript NM_016151.4 (MANE Select); coding-DNA position 1479, C replaced by T.
Protein change: p.Ser493=; no amino-acid change (serine 493 retained).
Molecular consequence: synonymous variant.
Genome position (GRCh38, 1-based): chr16:29,985,269, C>T. VCF-style: chr16-29985269-C-T. GRCh37 (hg19) VCF-style: chr16-29996590-C-T.
Other names: c.1479C>T, p.Ser493= (NM_001252043.2, NM_004783.4).
Identifiers: ClinVar variation 709295 (VCV000709295.14), dbSNP rs55656713, ClinGen allele CA7998157.